The following is an entry in ClinVar:

ClinVar aggregate classification (germline): Uncertain significance (1 of 4 stars; one submission).

Submission:

Labcorp Genetics (formerly Invitae), Labcorp
Classification: Uncertain significance. Last evaluated: 2024-04-08. Review status: criteria provided, single submitter. Criteria: Invitae Variant Classification Sherloc (09022015). Collection method: clinical testing. Allele origin: germline.
Comment: This sequence change replaces glutamic acid, which is acidic and polar, with lysine, which is basic and polar, at codon 320 of the HOMER2 protein (p.Glu320Lys). This variant is not present in population databases (gnomAD no frequency). This variant has not been reported in the literature in individuals affected with HOMER2-related conditions. An algorithm developed to predict the effect of missense changes on protein structure and function (PolyPhen-2) suggests that this variant is likely to be tolerated. In summary, the available evidence is currently insufficient to determine the role of this variant in disease. Therefore, it has been classified as a Variant of Uncertain Significance.

NM_004839.4(HOMER2):c.958G>A (p.Glu320Lys)

Gene: HOMER2 (homer scaffold protein 2; minus strand). Cytogenetic location: 15q25.2.
Variant type: single nucleotide variant.
Coding change: c.958G>A on transcript NM_004839.4 (MANE Select); coding-DNA position 958, G replaced by A.
Protein change: p.Glu320Lys; replaces glutamic acid 320 with lysine.
Molecular consequence: missense variant.
Genome position (GRCh38, 1-based): chr15:82,849,789, C>T on the plus strand (G>A on the coding strand, the complement: HOMER2 is on the minus strand). VCF-style: chr15-82849789-C-T. GRCh37 (hg19) VCF-style: chr15-83518541-C-T.
Other names: c.991G>A, p.Glu331Lys (NM_199330.3); short protein forms E331K, E320K.
Identifiers: ClinVar variation 3649195 (VCV003649195.2).